The following is an entry in ClinVar:

NC_000020.10:g.(?_35518631)_(35580112_?)del

Genes: SAMHD1 (SAM and HD domain containing deoxynucleoside triphosphate triphosphohydrolase 1; minus strand), TLDC2 (TBC/LysM-associated domain containing 2; plus strand). Cytogenetic location: 20q11.23.
Variant type: Deletion.
Identifiers: ClinVar variation 4849121 (VCV004849121.1).

ClinVar aggregate classification (germline): Pathogenic (1 of 4 stars; one submission).

Conditions:
Aicardi-Goutieres syndrome 5. Identifiers: Orphanet 51, MedGen C2749659, MONDO:0013059, OMIM 612952.

Submission:

Women's Health and Genetics/Laboratory Corporation of America, LabCorp
Classification: Pathogenic for Aicardi-Goutieres syndrome 5. Last evaluated: 2026-04-23. Review status: criteria provided, single submitter. Criteria: LabCorp Variant Classification Summary - May 2015. Collection method: clinical testing. Allele origin: germline.
Comment: Variant summary: The variant involves the deletion of exons 1-16 in the SAMHD1 gene. A presumed nomenclature of c.(?_-66)_(*2704_?)del has been designated for the purposes of this classification. This deletion includes the entire coding sequence of the gene. As the exact proximal and distal breakpoints are unknown, it may extend beyond the annotated region of the gene to include other flanking genes. Loss-of-function variants in this gene are known to be pathogenic. The variant was absent in 21694 control chromosomes. To our knowledge, no occurrence of c.(?_-66)_(*2704_?)del in individuals affected with SAMHD1-related conditions and no experimental evidence demonstrating its impact on protein function have been reported. ClinVar contains an entry for this variant (Variation ID: 1456508). Based on the evidence outlined above, the variant was classified as pathogenic.